The following is an entry in ClinVar:

ClinVar aggregate classification (germline): Likely benign (0 of 4 stars; one submission).

Conditions:
STK11-related disorder. Also called: STK11-related condition.

Submission:

PreventionGenetics, part of Exact Sciences
Classification: Likely benign for STK11-related condition. Last evaluated: 2024-01-16. Review status: no assertion criteria provided. Collection method: clinical testing. Allele origin: germline.
Comment: This variant is classified as likely benign based on ACMG/AMP sequence variant interpretation guidelines (Richards et al. 2015 PMID: 25741868, with internal and published modifications).

NM_000455.5(STK11):c.464+10C>G

Gene: STK11 (serine/threonine kinase 11; plus strand). Cytogenetic location: 19p13.3.
Variant type: single nucleotide variant.
Coding change: c.464+10C>G on transcript NM_000455.5 (MANE Select); 10 bases into the intron after coding-DNA position 464, C replaced by G.
Molecular consequence: intron variant.
Genome position (GRCh38, 1-based): chr19:1,219,423, C>G. VCF-style: chr19-1219423-C-G. GRCh37 (hg19) VCF-style: chr19-1219422-C-G.
Other names: c.464+10C>G (NM_001407255.1).
Identifiers: ClinVar variation 3045445 (VCV003045445.2), dbSNP rs587782445, ClinGen allele CA2317589137.